The following is an entry in ClinVar:

ClinVar aggregate classification (germline): Uncertain significance (1 of 4 stars; one submission).

Conditions:
Inborn genetic diseases. Identifiers: MedGen C0950123, MeSH D030342.

Submission:

Ambry Genetics
Classification: Uncertain significance for Inborn genetic diseases. Last evaluated: 2019-08-30. Review status: criteria provided, single submitter. Criteria: Ambry Variant Classification Scheme 2023. Collection method: clinical testing. Allele origin: germline.
Comment: The p.R623G variant (also known as c.1867A>G), located in coding exon 13 of the GSN gene, results from an A to G substitution at nucleotide position 1867. The arginine at codon 623 is replaced by glycine, an amino acid with dissimilar properties. This amino acid position is poorly conserved in available vertebrate species. In addition, this alteration is predicted to be tolerated by in silico analysis. Since supporting evidence is limited at this time, the clinical significance of this alteration remains unclear.

NM_198252.3(GSN):c.1714A>G (p.Arg572Gly)

Gene: GSN (gelsolin; plus strand). Cytogenetic location: 9q33.2.
Variant type: single nucleotide variant.
Coding change: c.1714A>G on transcript NM_198252.3 (MANE Select); coding-DNA position 1714, A replaced by G.
Protein change: p.Arg572Gly; replaces arginine 572 with glycine.
Molecular consequence: missense variant.
Genome position (GRCh38, 1-based): chr9:121,327,434, A>G. VCF-style: chr9-121327434-A-G. GRCh37 (hg19) VCF-style: chr9-124089712-A-G.
Other names: c.1867A>G, p.Arg623Gly (NM_000177.5); c.1714A>G, p.Arg572Gly (NM_001127662.2, NM_001127664.2, NM_001127665.2 and 10 more transcripts); c.1822A>G, p.Arg608Gly (NM_001127663.2); c.1747A>G, p.Arg583Gly (NM_001127666.2, NM_001127667.2, NM_001353063.2 and 13 more transcripts); c.1765A>G, p.Arg589Gly (NM_001258029.2); c.1738A>G, p.Arg580Gly (NM_001258030.2); c.1786A>G, p.Arg596Gly (NM_001353076.2); c.1060A>G, p.Arg354Gly (NM_001353078.2); short protein forms R608G, R354G, R589G, R580G, R596G, R623G, R572G, R583G.
Identifiers: ClinVar variation 1781594 (VCV001781594.2), dbSNP rs2541257404, ClinGen allele CA374756019.